The following is an entry in ClinVar:

ClinVar aggregate classification (germline): Pathogenic/Likely pathogenic. Review status: criteria provided, multiple submitters, no conflicts (2 of 4 stars). 10 submissions from 9 submitters: Pathogenic (5); Likely pathogenic (4). 1 of the submissions does not count toward it. Last evaluated 2026-02-13.

Conditions:
Combined oxidative phosphorylation deficiency 35 (COXPD35). Identifiers: MedGen C4693466, MONDO:0054742, OMIM 617873.
TRIT1-related disorder. Also called: TRIT1-related condition.
TRIT1 Deficiency.
Epileptic encephalopathy. Identifiers: MedGen C0543888, HP:0200134.

Submissions (10):

OLLIN Analises Genomicas, OLLIN
Classification: Pathogenic for Combined oxidative phosphorylation deficiency 35. Last evaluated: 2026-02-13. Review status: criteria provided, single submitter. Criteria: ACMG Guidelines 2015 PMID 25741868. Collection method: clinical testing. Allele origin: germline. Observed: 1 variant allele.
Comment: PVS1, PM2_P, PM3

PreventionGenetics, part of Exact Sciences
Classification: Likely pathogenic for TRIT1-related condition. Last evaluated: 2025-09-11. Review status: criteria provided, single submitter. Criteria: ACMG Guidelines, 2015. Collection method: clinical testing. Allele origin: germline.
Comment: The TRIT1 c.334delC variant is predicted to result in a frameshift and premature protein termination (p.Arg112Glufs*36). This variant was reported in the compound heterozygous state in at least two individuals with clinical features consistent with combined oxidative phosphorylation deficiency (Forde et al. 2020. PubMed ID: 32088416; Smol et al. 2022. PubMed ID: 36049610). This variant is reported in 0.070% of alleles in individuals of South Asian descent in gnomAD. Frameshift variants in TRIT1 are expected to be pathogenic. This variant is interpreted as likely pathogenic.

Labcorp Genetics (formerly Invitae), Labcorp
Classification: Pathogenic. Last evaluated: 2025-06-15. Review status: criteria provided, single submitter. Criteria: Invitae Variant Classification Sherloc (09022015). Collection method: clinical testing. Allele origin: germline.
Comment: This sequence change creates a premature translational stop signal (p.Arg112Glufs*36) in the TRIT1 gene. It is expected to result in an absent or disrupted protein product. Loss-of-function variants in TRIT1 are known to be pathogenic (PMID: 24901367, 28185376). This variant is present in population databases (rs536000212, gnomAD 0.07%). This premature translational stop signal has been observed in individual(s) with epilepsy (PMID: 30977854). ClinVar contains an entry for this variant (Variation ID: 545453). Algorithms developed to predict the effect of sequence changes on RNA splicing suggest that this variant may disrupt the consensus splice site. For these reasons, this variant has been classified as Pathogenic.

CeGaT Center for Human Genetics Tuebingen
Classification: Pathogenic. Last evaluated: 2025-01-01. Review status: criteria provided, single submitter. Criteria: CeGaT Center For Human Genetics Tuebingen Variant Classification Criteria Version 2. Collection method: clinical testing. Allele origin: germline. Affected: yes. Observed: 3 variant alleles.
Comment: TRIT1: PVS1, PM2

Blueprint Genetics
Classification: Pathogenic for TRIT1-related disorders. Last evaluated: 2024-09-13. Review status: criteria provided, single submitter. Criteria: ACMG Guidelines, 2015. Collection method: clinical testing. Allele origin: germline. Affected: yes. Observed: 5 variant alleles.

Laboratorio de Genetica e Diagnostico Molecular, Hospital Israelita Albert Einstein
Classification: Likely pathogenic for Combined oxidative phosphorylation deficiency 35. Last evaluated: 2023-05-11. Review status: criteria provided, single submitter. Criteria: ACMG Guidelines, 2015. Collection method: clinical testing. Allele origin: germline. Affected: yes.
Comment: ACMG classification criteria: PVS1 very strong, PM3 moderate

Dasa
Classification: Likely pathogenic. Last evaluated: 2022-02-05. Review status: criteria provided, single submitter. Criteria: ACMG Guidelines, 2015. Collection method: clinical testing. Allele origin: germline. Affected: yes. Observed: 1 variant allele.
Comment: The c.334del;p.(Arg112Glufs*36) is a null frameshift variant (NMD) in the TRIT1 gene and predicts alteration of the nonsense-mediate decay - NMD is present in a relevant exon to the transcript - PVS1. The variant is present at low allele frequencies population databases (rs536000212– gnomAD 0.003353%; ABraOM 0.001281 frequency) -PM2_supporting. In summary, the currently available evidence indicates that the variant is likely pathogenic.

Laboratorio de Genetica e Diagnostico Molecular, Hospital Israelita Albert Einstein
Classification: Pathogenic. Last evaluated: 2020-04-02. Review status: criteria provided, single submitter. Criteria: ACMG Guidelines, 2015. Collection method: clinical testing. Allele origin: germline. Affected: yes.
Comment: ACMG classification criteria: PVS1, PS4, PM2, PM3

Equipe Genetique des Anomalies du Developpement, Université de Bourgogne
Classification: Likely pathogenic for Epileptic encephalopathy. Last evaluated: 2017-06-01. Review status: criteria provided, single submitter. Criteria: ACMG Guidelines, 2015. Collection method: clinical testing. Allele origin: inherited. Affected: yes. Observed: 1 compound heterozygote.

OMIM
Classification: Pathogenic for COMBINED OXIDATIVE PHOSPHORYLATION DEFICIENCY 35. Last evaluated: 2024-02-05. Review status: no assertion criteria provided. Collection method: literature only. Allele origin: germline. Not counted in ClinVar's aggregate classification.

Literature cited by the submitters: PubMed 24901367 (cited by Labcorp Genetics (formerly Invitae), Labcorp); PubMed 28185376 (cited by Labcorp Genetics (formerly Invitae), Labcorp); PubMed 30977854 (cited by Labcorp Genetics (formerly Invitae), Labcorp); PubMed 32088416 (cited by OMIM).

NM_017646.6(TRIT1):c.334del (p.Arg112fs)

Gene: TRIT1 (tRNA isopentenyltransferase 1; minus strand). Cytogenetic location: 1p34.2.
Variant type: Deletion.
Coding change: c.334del on transcript NM_017646.6 (MANE Select); coding-DNA position 334, one base deleted (C; older notation c.334delC).
Protein change: p.Arg112fs; shifts the reading frame from arginine 112.
Molecular consequence: frameshift variant. On other transcripts: intron variant (1).
Genome position (GRCh38, 1-based): chr1:39,854,050, G deleted on the plus strand (C on the coding strand, the reverse complement: TRIT1 is on the minus strand); the first of 3 consecutive G bases (chr1:39,854,050-39,854,052); deleting any one gives the same sequence. VCF-style (leftmost placement, unchanged base first): chr1-39854049-CG-C. GRCh37 (hg19) VCF-style: chr1-40319721-CG-C.
Other names: c.334del (NM_017646.4); c.334delC (NM_017646.6); c.332delC, p.Arg112Glufs (NM_001312691.2); c.175-1174del (NM_001312692.1); short protein forms R112fs.
Identifiers: ClinVar variation 545453 (VCV000545453.48), dbSNP rs536000212, ClinGen allele CA788127.